The following is an entry in ClinVar:

ClinVar aggregate classification (germline): Benign/Likely benign. Review status: criteria provided, multiple submitters, no conflicts (2 of 4 stars). 11 submissions from 11 submitters: Benign (5); Likely benign (4). 2 of the submissions do not count toward it. Last evaluated 2026-06-30.

Conditions:
Congenital dyserythropoietic anemia, type II (CDAN2). Also called: DYSERYTHROPOIETIC ANEMIA, HEMPAS TYPE. Identifiers: Orphanet 98873, MedGen C1306589, MONDO:0009134, OMIM 224100.
Cowden syndrome 7 (CWS7). Identifiers: Orphanet 201, MedGen C4225179, MONDO:0014802, OMIM 616858.

Allele frequency attached by ClinVar (database versions not stated): gnomAD 0.04225 and 0.04091; ESP Exome Variant Server 0.04344; 1000 Genomes Project 30x 0.01640; 1000 Genomes Project 0.01657; gnomAD exomes 0.04283 and 0.04962; TOPMed 0.03649; ExAC 0.04306.
gnomAD v4.1: 78,470 of 1,613,190 alleles (4.9%); highest among the groups gnomAD compares: Middle Eastern, 6.6%; 2,222 homozygotes.

Submissions (11):

Women's Health and Genetics/Laboratory Corporation of America, LabCorp
Classification: Likely benign. Last evaluated: 2026-06-30. Review status: criteria provided, single submitter. Criteria: LabCorp Variant Classification Summary - May 2015. Collection method: clinical testing. Allele origin: germline.

Labcorp Genetics (formerly Invitae), Labcorp
Classification: Benign for Congenital dyserythropoietic anemia, type II; Cowden syndrome 7. Last evaluated: 2026-02-04. Review status: criteria provided, single submitter. Criteria: Invitae Variant Classification Sherloc (09022015). Collection method: clinical testing. Allele origin: germline.

ARUP Laboratories, Molecular Genetics and Genomics, ARUP Laboratories
Classification: Benign. Last evaluated: 2025-07-17. Review status: criteria provided, single submitter. Criteria: ARUP Molecular Germline Variant Investigation Process 2024. Collection method: clinical testing. Allele origin: germline.

Mayo Clinic Laboratories, Mayo Clinic
Classification: Likely benign. Last evaluated: 2025-05-27. Review status: criteria provided, single submitter. Criteria: ACMG Guidelines, 2015. Collection method: clinical testing. Allele origin: germline. Observed: 163 variant alleles.
Comment: BS1, BS2, BP4_strong

GeneDx
Classification: Benign. Last evaluated: 2020-01-16. Review status: criteria provided, single submitter. Criteria: GeneDx Variant Classification Process June 2021. Collection method: clinical testing. Allele origin: germline. Affected: yes.
Comment: This variant is associated with the following publications: (PMID: 32641076, 27884173, 19561605, 22208203, 20981092, 22995991)

Illumina Laboratory Services, Illumina
Classification: Likely benign for Congenital dyserythropoietic anemia, type II. Last evaluated: 2017-04-27. Review status: criteria provided, single submitter. Criteria: ICSL Variant Classification Criteria 13 December 2019. Collection method: clinical testing. Allele origin: germline.
Comment: This variant was observed as part of a predisposition screen in an ostensibly healthy population. A literature search was performed for the gene, cDNA change, and amino acid change (where applicable). Publications were found based on this search. The evidence from the literature, in combination with allele frequency data from public databases where available, was sufficient to determine this variant is unlikely to cause disease. Therefore, this variant is classified as likely benign.

Eurofins Ntd Llc (ga)
Classification: Benign. Last evaluated: 2013-12-18. Review status: criteria provided, single submitter. Criteria: EGL Classification Definitions 2015. Collection method: clinical testing. Allele origin: germline. Observed: 2 variant alleles, 2 heterozygotes.

Breakthrough Genomics
Classification: Likely benign. Review status: criteria provided, single submitter. Criteria: ACMG Guidelines, 2015. Collection method: not provided. Allele origin: germline. Inheritance: Autosomal recessive inheritance. Affected: yes.

PreventionGenetics, part of Exact Sciences
Classification: Benign. Review status: criteria provided, single submitter. Criteria: ACMG Guidelines, 2015. Collection method: clinical testing. Allele origin: germline.

Joint Genome Diagnostic Labs from Nijmegen and Maastricht, Radboudumc and MUMC+
Classification: Benign. Review status: no assertion criteria provided. Collection method: clinical testing. Allele origin: germline. Affected: yes. Study: VKGL Data-share Consensus. Not counted in ClinVar's aggregate classification.

Laboratory of Diagnostic Genome Analysis, Leiden University Medical Center (LUMC)
Classification: Likely benign. Review status: no assertion criteria provided. Collection method: clinical testing. Allele origin: germline. Affected: yes. Study: VKGL Data-share Consensus. Not counted in ClinVar's aggregate classification.

Literature cited by the submitters: PubMed 19561605 (cited by Illumina Laboratory Services, Illumina).

NM_006363.6(SEC23B):c.1276G>A (p.Val426Ile)

Gene: SEC23B (SEC23 homolog B, COPII component; plus strand). Cytogenetic location: 20p11.23.
Variant type: single nucleotide variant.
Coding change: c.1276G>A on transcript NM_006363.6 (MANE Select); coding-DNA position 1276, G replaced by A.
Protein change: p.Val426Ile; replaces valine 426 with isoleucine.
Molecular consequence: missense variant.
Genome position (GRCh38, 1-based): chr20:18,532,706, G>A. VCF-style: chr20-18532706-G-A. GRCh37 (hg19) VCF-style: chr20-18513350-G-A.
Other names: c.1276G>A, p.Val426Ile (NM_001172745.3, NM_032985.6, NM_032986.5); c.1222G>A, p.Val408Ile (NM_001172746.3); short protein forms V426I, V408I.
Identifiers: ClinVar variation 167666 (VCV000167666.38), dbSNP rs41309927, ClinGen allele CA180422.